The following is an entry in ClinVar:

NM_001018005.2(TPM1):c.590T>C (p.Leu197Ser)

Gene: TPM1 (tropomyosin 1; plus strand). Cytogenetic location: 15q22.2.
Variant type: single nucleotide variant.
Coding change: c.590T>C on transcript NM_001018005.2 (MANE Select); coding-DNA position 590, T replaced by C.
Protein change: p.Leu197Ser; replaces leucine 197 with serine.
Molecular consequence: missense variant. On other transcripts: non-coding transcript variant (16), intron variant (21).
Genome position (GRCh38, 1-based): chr15:63,061,739, T>C. VCF-style: chr15-63061739-T-C. GRCh37 (hg19) VCF-style: chr15-63353938-T-C.
Other names: c.590T>C, p.Leu197Ser (NM_001018004.2, NM_001018007.2, NM_001301244.2 and 7 more transcripts); c.482T>C, p.Leu161Ser (NM_001018008.2, NM_001301289.2, NM_001330346.2 and 3 more transcripts); c.716T>C, p.Leu239Ser (NM_001365778.1, NM_001407324.1); c.639+466T>C (NM_001407336.1, NM_001018020.2, NM_001407326.1 and 10 more transcripts); c.765+466T>C (NM_001407323.1, NM_001407322.1); c.531+466T>C (NM_001330351.2, NM_001330344.2, NM_001365781.2 and 3 more transcripts); short protein forms L239S, L197S, L161S.
Identifiers: ClinVar variation 2876852 (VCV002876852.4), dbSNP rs2542829727, ClinGen allele CA392724137.

ClinVar aggregate classification (germline): Uncertain significance. Review status: criteria provided, multiple submitters, no conflicts (2 of 4 stars). 2 submissions from 2 submitters: Uncertain significance (2). Last evaluated 2024-04-16.

Conditions:
Hypertrophic cardiomyopathy. Also called: HYPERTROPHIC MYOCARDIOPATHY. Identifiers: Orphanet 217569, MedGen C0007194, MeSH D002312, MONDO:0005045, HP:0001639.

Submissions (2):

All of Us Research Program, National Institutes of Health
Classification: Uncertain significance for Hypertrophic cardiomyopathy. Last evaluated: 2024-04-16. Review status: criteria provided, single submitter. Criteria: ACMG Guidelines, 2015. Collection method: clinical testing. Allele origin: germline. Inheritance: Autosomal dominant inheritance. Observed: 1 variant allele, 1 heterozygote.
Comment: This missense variant replaces leucine with serine at codon 197 of the TPM1 protein. Computational prediction suggests that this variant may have deleterious impact on protein structure and function (internally defined REVEL score threshold >= 0.7, PMID: 27666373). To our knowledge, functional studies have not been reported for this variant. This variant has not been reported in individuals affected with TPM1-related disorders in the literature. This variant has not been identified in the general population by the Genome Aggregation Database (gnomAD). The available evidence is insufficient to determine the role of this variant in disease conclusively. Therefore, this variant is classified as a Variant of Uncertain Significance.

This study involves interpretation of variants in research participants for the purpose of population health screening. Participant phenotype was not available at the time of variant classification. Additional details can be found in publication PMID: 35346344, PMCID: PMC8962531

Labcorp Genetics (formerly Invitae), Labcorp
Classification: Uncertain significance for Hypertrophic cardiomyopathy. Last evaluated: 2023-08-16. Review status: criteria provided, single submitter. Criteria: Invitae Variant Classification Sherloc (09022015). Collection method: clinical testing. Allele origin: germline.
Comment: This variant has not been reported in the literature in individuals affected with TPM1-related conditions. An algorithm developed to predict the effect of missense changes on protein structure and function (PolyPhen-2) suggests that this variant is likely to be disruptive. In summary, the available evidence is currently insufficient to determine the role of this variant in disease. Therefore, it has been classified as a Variant of Uncertain Significance. This variant is not present in population databases (gnomAD no frequency). This sequence change replaces leucine, which is neutral and non-polar, with serine, which is neutral and polar, at codon 197 of the TPM1 protein (p.Leu197Ser).